The following is an entry in ClinVar:

NM_178452.6(DNAAF1):c.727_728del (p.Ser243fs)

Gene: DNAAF1 (dynein axonemal assembly factor 1; plus strand). Cytogenetic location: 16q24.1.
Variant type: Deletion.
Coding change: c.727_728del on transcript NM_178452.6 (MANE Select); coding-DNA positions 727 to 728, 2 bases deleted (AG; older notation c.727_728delAG).
Protein change: p.Ser243fs; shifts the reading frame from serine 243.
Molecular consequence: frameshift variant.
Genome position (GRCh38, 1-based): chr16:84,155,735-84,155,736, AG deleted. VCF-style (leftmost placement, unchanged base first): chr16-84155734-AAG-A. GRCh37 (hg19) VCF-style: chr16-84189339-AAG-A.
Other names: short protein forms S243fs.
Identifiers: ClinVar variation 4880126 (VCV004880126.1).

ClinVar aggregate classification (germline): Pathogenic (1 of 4 stars; one submission).

Conditions:
Primary ciliary dyskinesia. Also called: Ciliary dyskinesia. Identifiers: Orphanet 244, MedGen C0008780, MONDO:0016575, HP:0012265.

Submission:

Department of Human Genetics, Hannover Medical School
Classification: Pathogenic for Primary Ciliary Dyskinesia. Last evaluated: 2026-04-01. Review status: criteria provided, single submitter. Criteria: ACMG Guidelines, 2015. Collection method: research. Allele origin: germline. Affected: no.
Comment: Classification performed by HerediClassify using the following criteria:['PM2_supporting: Variant occures does not occur as homozygous in gnomAD.', 'PVS1_protein_very_strong: Transcript ENST00000378553 is predicted to undergo NMD. ', "PP4_moderate: The PICADAR socre of 7.0 exceeds threshold of 6 achieving 'moderate' evidence strength."]